The following is an entry in ClinVar:

ClinVar aggregate classification (germline): Uncertain significance. Review status: criteria provided, multiple submitters, no conflicts (2 of 4 stars). 4 submissions from 4 submitters: Uncertain significance (4). Last evaluated 2026-04-01.

Conditions:
Inborn genetic diseases. Identifiers: MedGen C0950123, MeSH D030342.
COCH-related disorder. Also called: COCH-related condition.

Allele frequency attached by ClinVar (database versions not stated): gnomAD 0.00002; gnomAD exomes 0.00002 and 0.00006; TOPMed 0.00002; ExAC 0.00007.

Submissions (4):

PreventionGenetics, part of Exact Sciences
Classification: Uncertain significance for COCH-related condition. Last evaluated: 2026-04-01. Review status: criteria provided, single submitter. Criteria: ACMG Guidelines, 2015. Collection method: clinical testing. Allele origin: germline.
Comment: The COCH c.582G>T variant is predicted to result in the amino acid substitution p.Met194Ile. To our knowledge, this variant has not been reported in the literature. This variant is reported in 0.011% of alleles in individuals of European (Non-Finnish) descent in gnomAD. At this time, the clinical significance of this variant is uncertain due to the absence of conclusive functional and genetic evidence.

Ambry Genetics
Classification: Uncertain significance for Inborn genetic diseases. Last evaluated: 2023-11-21. Review status: criteria provided, single submitter. Criteria: Ambry Variant Classification Scheme 2023. Collection method: clinical testing. Allele origin: germline.

Labcorp Genetics (formerly Invitae), Labcorp
Classification: Uncertain significance. Last evaluated: 2022-10-05. Review status: criteria provided, single submitter. Criteria: Invitae Variant Classification Sherloc (09022015). Collection method: clinical testing. Allele origin: germline.
Comment: This sequence change replaces methionine, which is neutral and non-polar, with isoleucine, which is neutral and non-polar, at codon 194 of the COCH protein (p.Met194Ile). This variant has not been reported in the literature in individuals affected with COCH-related conditions. This variant is present in population databases (rs757768757, gnomAD 0.01%). In summary, the available evidence is currently insufficient to determine the role of this variant in disease. Therefore, it has been classified as a Variant of Uncertain Significance. Advanced modeling of protein sequence and biophysical properties (such as structural, functional, and spatial information, amino acid conservation, physicochemical variation, residue mobility, and thermodynamic stability) performed at Invitae indicates that this missense variant is not expected to disrupt COCH protein function. ClinVar contains an entry for this variant (Variation ID: 517612).

Laboratory for Molecular Medicine, Mass General Brigham Personalized Medicine
Classification: Uncertain significance. Last evaluated: 2021-10-06. Review status: criteria provided, single submitter. Criteria: ACMG Guidelines, 2015. Collection method: clinical testing. Allele origin: germline.
Comment: The p.Met194Ile variant in COCH has not been previously reported in individuals with hearing loss, but has been identified in 0.01% (13/113686) of European chromosomes by the Genome Aggregation Database (gnomAD; dbSNP rs757768757). Although this variant has been seen in the general population, its frequency is not high enough to rule out a pathogenic role. Computational prediction tools and conservation analyses do not provide strong support for or against an impact to the protein. In summary, the clinical significance of the p.Met194Ile variant is uncertain. ACMG/AMP Criteria applied: none applicable.

NM_004086.3(COCH):c.582G>T (p.Met194Ile)

Genes: COCH (cochlin; plus strand), COCH-AS1 (COCH antisense RNA 1; minus strand). Cytogenetic location: 14q12.
Variant type: single nucleotide variant.
Coding change: c.582G>T on transcript NM_004086.3 (MANE Select); coding-DNA position 582, G replaced by T.
Protein change: p.Met194Ile; replaces methionine 194 with isoleucine.
Molecular consequence: missense variant.
Genome position (GRCh38, 1-based): chr14:30,880,687, G>T. VCF-style: chr14-30880687-G-T. GRCh37 (hg19) VCF-style: chr14-31349893-G-T.
Other names: c.582G>T, p.Met194Ile (NM_001135058.2); c.777G>T, p.Met259Ile (NM_001347720.2); c.582G>T (NM_001135058.1); short protein forms M194I, M259I.
Identifiers: ClinVar variation 517612 (VCV000517612.16), dbSNP rs757768757, ClinGen allele CA7143089.